The following is an entry in ClinVar:

NM_000441.2(SLC26A4):c.2139del (p.Arg714fs)

Genes: SLC26A4 (solute carrier family 26 member 4; plus strand), LOC123956210 (Sharpr-MPRA regulatory region 3291; plus strand). Cytogenetic location: 7q22.3.
Variant type: Deletion.
Coding change: c.2139del on transcript NM_000441.2 (MANE Select); coding-DNA position 2139, one base deleted (T; older notation c.2139delT).
Protein change: p.Arg714fs; shifts the reading frame from arginine 714.
Molecular consequence: frameshift variant.
Genome position (GRCh38, 1-based): chr7:107,710,103, T deleted; the last of 2 consecutive T bases (chr7:107,710,102-107,710,103); deleting either gives the same sequence. VCF-style (leftmost placement, unchanged base first): chr7-107710101-AT-A. GRCh37 (hg19) VCF-style: chr7-107350546-AT-A.
Other names: short protein forms R714fs.
Identifiers: ClinVar variation 1069794 (VCV001069794.7), dbSNP rs2129319916, ClinGen allele CA2499218644.

ClinVar aggregate classification (germline): Pathogenic (1 of 4 stars; one submission).

Submission:

Labcorp Genetics (formerly Invitae), Labcorp
Classification: Pathogenic. Last evaluated: 2020-10-20. Review status: criteria provided, single submitter. Criteria: Invitae Variant Classification Sherloc (09022015). Collection method: clinical testing. Allele origin: germline.
Comment: This sequence change creates a premature translational stop signal (p.Arg714Glufs*7) in the SLC26A4 gene. It is expected to result in an absent or disrupted protein product. This variant is not present in population databases (ExAC no frequency). This variant has not been reported in the literature in individuals with SLC26A4-related conditions. Loss-of-function variants in SLC26A4 are known to be pathogenic (PMID: 16283880, 25394566, 26252218, 26445815). For these reasons, this variant has been classified as Pathogenic.

Literature cited by the submitters: PubMed 16283880; PubMed 25394566; PubMed 26252218; PubMed 26445815.